The following is an entry in ClinVar:

ClinVar aggregate classification (germline): Benign/Likely benign. Review status: criteria provided, multiple submitters, no conflicts (2 of 4 stars). 4 submissions from 3 submitters: Benign (2); Likely benign (2). Last evaluated 2025-07-07.

Conditions:
Cutis laxa, autosomal dominant 1 (ADCL1). Also called: ELN-Related Cutis Laxa. Identifiers: Orphanet 90348, MedGen C3276539, MONDO:0007411, OMIM 123700. Disease mechanism: Dominant Negative.
Supravalvar aortic stenosis (SVAS). Also called: Supravalvar aortic stenosis, Eisenberg type. Identifiers: Orphanet 3193, MedGen C0003499, MONDO:0008504, OMIM 185500, HP:0004381.

Allele frequency attached by ClinVar (database versions not stated): gnomAD exomes 0.00002 and 0.00012; gnomAD 0.00003; TOPMed 0.00005; ExAC 0.00015.
gnomAD v4.1: 30 of 1,613,434 alleles (0.0019%); highest among the groups gnomAD compares: East Asian, 0.056%; no homozygotes.

Submissions (4):

Labcorp Genetics (formerly Invitae), Labcorp
Classification: Likely benign for Supravalvar aortic stenosis. Last evaluated: 2025-07-07. Review status: criteria provided, single submitter. Criteria: Invitae Variant Classification Sherloc (09022015). Collection method: clinical testing. Allele origin: germline.

Blueprint Genetics
Classification: Likely benign. Last evaluated: 2024-01-12. Review status: criteria provided, single submitter. Criteria: ACMG Guidelines, 2015. Collection method: clinical testing. Allele origin: germline.

Illumina Laboratory Services, Illumina
Classification: Benign for Cutis laxa, autosomal dominant 1. Last evaluated: 2018-01-13. Review status: criteria provided, single submitter. Criteria: ICSL Variant Classification Criteria 13 December 2019. Collection method: clinical testing. Allele origin: germline.
Comment: This variant was observed in the ICSL laboratory as part of a predisposition screen in an ostensibly healthy population. It had not been previously curated by ICSL or reported in the Human Gene Mutation Database (HGMD: prior to June 1st, 2018), and was therefore a candidate for classification through an automated scoring system. Utilizing variant allele frequency, disease prevalence and penetrance estimates, and inheritance mode, an automated score was calculated to assess if this variant is too frequent to cause the disease. Based on the score and internal cut-off values, a variant classified as benign is not then subjected to further curation. The score for this variant resulted in a classification of benign for this disease.

Illumina Laboratory Services, Illumina
Classification: Benign for Supravalvar aortic stenosis. Last evaluated: 2018-01-13. Review status: criteria provided, single submitter. Criteria: ICSL Variant Classification Criteria 13 December 2019. Collection method: clinical testing. Allele origin: germline.
Comment: the same text as in the submission from Illumina Laboratory Services, Illumina above.

NM_000501.4(ELN):c.1271G>A (p.Gly424Glu)

Gene: ELN (elastin; plus strand). Cytogenetic location: 7q11.23.
Variant type: single nucleotide variant.
Coding change: c.1271G>A on transcript NM_000501.4 (MANE Select); coding-DNA position 1271, G replaced by A.
Protein change: p.Gly424Glu; replaces glycine 424 with glutamic acid.
Molecular consequence: missense variant. On other transcripts: intron variant (2).
Genome position (GRCh38, 1-based): chr7:74,056,391, G>A. VCF-style: chr7-74056391-G-A. GRCh37 (hg19) VCF-style: chr7-73470721-G-A.
Other names: c.1241G>A, p.Gly414Glu (NM_001081752.3, NM_001278917.2); c.1286G>A, p.Gly429Glu (NM_001081753.3, NM_001081754.3); c.1271G>A, p.Gly424Glu (NM_001081755.3, NM_001278912.2, NM_001278915.2 and 1 more transcripts); c.1256G>A, p.Gly419Glu (NM_001278914.2); c.1229G>A, p.Gly410Glu (NM_001278916.2); c.1129+34G>A (NM_001278913.2); c.1105+34G>A (NM_001278918.2); short protein forms G424E, G414E, G429E, G419E, G410E.
Identifiers: ClinVar variation 360650 (VCV000360650.7), dbSNP rs782725817, ClinGen allele CA4292913.